The following is an entry in ClinVar:

NM_001886.3(CRYBA4):c.352A>G (p.Lys118Glu)

Gene: CRYBA4 (crystallin beta A4; plus strand). Cytogenetic location: 22q12.1.
Variant type: single nucleotide variant.
Coding change: c.352A>G on transcript NM_001886.3 (MANE Select); coding-DNA position 352, A replaced by G.
Protein change: p.Lys118Glu; replaces lysine 118 with glutamic acid.
Molecular consequence: missense variant.
Genome position (GRCh38, 1-based): chr22:26,628,339, A>G. VCF-style: chr22-26628339-A-G. GRCh37 (hg19) VCF-style: chr22-27024303-A-G.
Other names: short protein forms K118E.
Identifiers: ClinVar variation 566141 (VCV000566141.9), dbSNP rs1305546354, ClinGen allele CA411039521.

ClinVar aggregate classification (germline): Uncertain significance (1 of 4 stars; one submission).

Conditions:
Cataract 23 (CTRCT23). Also called: CATARACT 23, LAMELLAR; Cataract 23, multiple types. Identifiers: Orphanet 91492, MedGen C3808012, MONDO:0012489, OMIM 610425.

Allele frequency attached by ClinVar (database versions not stated): gnomAD 0.00001; gnomAD exomes 0.00001; TOPMed below 0.00001.
gnomAD v4.1: 3 of 1,613,842 alleles (0.00019%); highest among the groups gnomAD compares: Admixed American, 0.005%; no homozygotes.

Submission:

Labcorp Genetics (formerly Invitae), Labcorp
Classification: Uncertain significance for Cataract 23. Last evaluated: 2017-07-14. Review status: criteria provided, single submitter. Criteria: Invitae Variant Classification Sherloc (09022015). Collection method: clinical testing. Allele origin: germline.
Comment: In summary, the available evidence is currently insufficient to determine the role of this variant in disease. Therefore, it has been classified as a Variant of Uncertain Significance. Algorithms developed to predict the effect of missense changes on protein structure and function do not agree on the potential impact of this missense change (SIFT: "Deleterious"; PolyPhen-2: "Benign"; Align-GVGD: "Class C15"). This variant has not been reported in the literature in individuals with CRYBA4-related disease. This variant is not present in population databases (ExAC no frequency). This sequence change replaces lysine with glutamic acid at codon 118 of the CRYBA4 protein (p.Lys118Glu). The lysine residue is weakly conserved and there is a small physicochemical difference between lysine and glutamic acid.